The following is an entry in ClinVar:

ClinVar aggregate classification (germline): Uncertain significance (1 of 4 stars; one submission).

gnomAD v4.1: 1 of 1,339,128 alleles (0.000075%); highest among the groups gnomAD compares: South Asian, 0.0013%; no homozygotes.

Submission:

Labcorp Genetics (formerly Invitae), Labcorp
Classification: Uncertain significance. Last evaluated: 2021-09-02. Review status: criteria provided, single submitter. Criteria: Invitae Variant Classification Sherloc (09022015). Collection method: clinical testing. Allele origin: germline.
Comment: This variant has not been reported in the literature in individuals affected with TNNI3K-related conditions. This variant is not present in population databases (ExAC no frequency). This sequence change affects a donor splice site in intron 1 of the TNNI3K gene. It is expected to disrupt RNA splicing. Variants that disrupt the donor or acceptor splice site typically lead to a loss of protein function (PMID: 16199547), however the current clinical and genetic evidence is not sufficient to establish whether loss-of-function variants in TNNI3K cause disease. In summary, the available evidence is currently insufficient to determine the role of this variant in disease. Therefore, it has been classified as a Variant of Uncertain Significance. Algorithms developed to predict the effect of sequence changes on RNA splicing suggest that this variant may disrupt the consensus splice site.

Literature cited by the submitters: PubMed 16199547.

NM_015978.3(TNNI3K):c.40+2T>C

Genes: FPGT-TNNI3K (FPGT-TNNI3K readthrough; plus strand), TNNI3K (TNNI3 interacting kinase; plus strand). Cytogenetic location: 1p31.1.
Variant type: single nucleotide variant.
Coding change: c.40+2T>C on transcript NM_015978.3 (MANE Select); the canonical splice donor site of the intron after coding-DNA position 40, T replaced by C.
Molecular consequence: splice donor variant. On other transcripts: intron variant (2).
Genome position (GRCh38, 1-based): chr1:74,235,493, T>C. VCF-style: chr1-74235493-T-C. GRCh37 (hg19) VCF-style: chr1-74701177-T-C.
Other names: c.344-609T>C (NM_001112808.3, NM_001199327.2).
Identifiers: ClinVar variation 1516938 (VCV001516938.6), dbSNP rs2100818863, ClinGen allele CA340786847.